The following is an entry in ClinVar:

NM_014339.7(IL17RA):c.679T>G (p.Ser227Ala)

Gene: IL17RA (interleukin 17 receptor A; plus strand). Cytogenetic location: 22q11.1.
Variant type: single nucleotide variant.
Coding change: c.679T>G on transcript NM_014339.7 (MANE Select); coding-DNA position 679, T replaced by G.
Protein change: p.Ser227Ala; replaces serine 227 with alanine.
Molecular consequence: missense variant.
Genome position (GRCh38, 1-based): chr22:17,102,219, T>G. VCF-style: chr22-17102219-T-G. GRCh37 (hg19) VCF-style: chr22-17583109-T-G.
Other names: c.679T>G, p.Ser227Ala (NM_001289905.2); short protein forms S227A.
Identifiers: ClinVar variation 1503110 (VCV001503110.6), dbSNP rs371494126, ClinGen allele CA10086454.
Genomic context (GRCh38, chr22:17,102,219, plus strand): 5'-ATCACCGTGGAGACCCTGGAGGCCCACCAGCTGCGTGTGAGCTTCACCCTGTGGAACGAA[T>G]CTACCCATTACCAGATCCTGCTGACCAGTTTTCCGCACATGGAGAACCACAGTTGCTTTG-3'
Protein context (NP_055154.3, residues 217-237): LRVSFTLWNE[Ser227Ala]THYQILLTSF

ClinVar aggregate classification (germline): Uncertain significance (1 of 4 stars; one submission).

Conditions:
Immunodeficiency 51 (IMD51). Also called: CANDIDIASIS, FAMILIAL, 5. Identifiers: Orphanet 1334, MedGen C4310803, MONDO:0013500, OMIM 613953.

Allele frequency attached by ClinVar (database versions not stated): gnomAD exomes below 0.00001 and 0.00001; TOPMed below 0.00001; ExAC 0.00001.
gnomAD v4.1: 5 of 1,614,168 alleles (0.00031%); highest among the groups gnomAD compares: East Asian, 0.0089%; no homozygotes.

Submission:

Labcorp Genetics (formerly Invitae), Labcorp
Classification: Uncertain significance for Immunodeficiency 51. Last evaluated: 2025-11-03. Review status: criteria provided, single submitter. Criteria: Invitae Variant Classification Sherloc (09022015). Collection method: clinical testing. Allele origin: germline.
Comment: This sequence change replaces serine, which is neutral and polar, with alanine, which is neutral and non-polar, at codon 227 of the IL17RA protein (p.Ser227Ala). This variant is present in population databases (rs371494126, gnomAD 0.02%). This variant has not been reported in the literature in individuals affected with IL17RA-related conditions. ClinVar contains an entry for this variant (Variation ID: 1503110). Invitae Evidence Modeling of protein sequence and biophysical properties (such as structural, functional, and spatial information, amino acid conservation, physicochemical variation, residue mobility, and thermodynamic stability) indicates that this missense variant is not expected to disrupt IL17RA protein function with a negative predictive value of 80%. In summary, the available evidence is currently insufficient to determine the role of this variant in disease. Therefore, it has been classified as a Variant of Uncertain Significance.